The following is an entry in ClinVar:

NM_000548.5(TSC2):c.4919A>C (p.His1640Pro)

Gene: TSC2 (TSC complex subunit 2; plus strand). Cytogenetic location: 16p13.3.
Variant type: single nucleotide variant.
Coding change: c.4919A>C on transcript NM_000548.5 (MANE Select); coding-DNA position 4919, A replaced by C.
Protein change: p.His1640Pro; replaces histidine 1640 with proline.
Molecular consequence: missense variant.
Genome position (GRCh38, 1-based): chr16:2,086,801, A>C. VCF-style: chr16-2086801-A-C. GRCh37 (hg19) VCF-style: chr16-2136802-A-C.
Other names: c.4610A>C, p.His1537Pro (NM_001318827.2); c.4574A>C, p.His1525Pro (NM_001318829.2); c.4187A>C, p.His1396Pro (NM_001318831.2); c.4751A>C, p.His1584Pro (NM_001318832.2); c.4721A>C, p.His1574Pro (NM_001363528.2); c.4787A>C, p.His1596Pro (NM_001370404.1); c.4790A>C, p.His1597Pro (NM_001370405.1, NM_021055.3); c.4718A>C, p.His1573Pro (NM_001077183.3); and 1 more; short protein forms H1640P, H1573P, H1596P, H1525P, H1584P, H1617P, H1537P, H1597P.
Identifiers: ClinVar variation 197025 (VCV000197025.12), dbSNP rs794727602, ClinGen allele CA021276.

ClinVar aggregate classification (germline): Likely pathogenic. Review status: criteria provided, multiple submitters, no conflicts (2 of 4 stars). 2 submissions from 2 submitters: Likely pathogenic (2). Last evaluated 2021-01-28.

Conditions:
Tuberous sclerosis 2 (TSC2). Identifiers: Orphanet 805, MedGen C1860707, MONDO:0013199, OMIM 613254.

Submissions (2):

Labcorp Genetics (formerly Invitae), Labcorp
Classification: Likely pathogenic for Tuberous sclerosis 2. Last evaluated: 2021-01-28. Review status: criteria provided, single submitter. Criteria: Invitae Variant Classification Sherloc (09022015). Collection method: clinical testing. Allele origin: germline.
Comment: This variant disrupts the p.His1640 amino acid residue in TSC2. Other variant(s) that disrupt this residue have been determined to be pathogenic (PMID: 12111193, Invitae). This suggests that this residue is clinically significant, and that variants that disrupt this residue are likely to be disease-causing. In summary, the currently available evidence indicates that the variant is pathogenic, but additional data are needed to prove that conclusively. Therefore, this variant has been classified as Likely Pathogenic. Advanced modeling of protein sequence and biophysical properties (such as structural, functional, and spatial information, amino acid conservation, physicochemical variation, residue mobility, and thermodynamic stability) performed at Invitae indicates that this missense variant is expected to disrupt TSC2 protein function. This variant has not been reported in the literature in individuals with TSC2-related conditions. ClinVar contains an entry for this variant (Variation ID: 197025). This variant is not present in population databases (ExAC no frequency). This sequence change replaces histidine with proline at codon 1640 of the TSC2 protein (p.His1640Pro). The histidine residue is highly conserved and there is a moderate physicochemical difference between histidine and proline.

Eurofins Ntd Llc (ga)
Classification: Likely pathogenic. Last evaluated: 2017-03-29. Review status: criteria provided, single submitter. Criteria: EGL Classification Definitions 2015. Collection method: clinical testing. Allele origin: germline. Observed: 1 variant allele, 1 heterozygote.

Literature cited by the submitters: PubMed 12111193 (cited by Labcorp Genetics (formerly Invitae), Labcorp).